The following is an entry in ClinVar:

NM_020884.7(MYH7B):c.5676+8C>T

Gene: MYH7B (myosin heavy chain 7B; plus strand). Cytogenetic location: 20q11.22.
Variant type: single nucleotide variant.
Coding change: c.5676+8C>T on transcript NM_020884.7 (MANE Select); 8 bases into the intron after coding-DNA position 5676, C replaced by T.
Molecular consequence: intron variant.
Genome position (GRCh38, 1-based): chr20:35,001,534, C>T. VCF-style: chr20-35001534-C-T. GRCh37 (hg19) VCF-style: chr20-33589337-C-T.
Identifiers: ClinVar variation 4988679 (VCV004988679.1).

ClinVar aggregate classification (germline): Likely benign (1 of 4 stars; one submission).

Conditions:
MYH7B-related disorder. Also called: MYH7B-related condition.

gnomAD v4.1: 77 of 1,596,640 alleles (0.0048%); highest among the groups gnomAD compares: East Asian, 0.0068%; no homozygotes.

Submission:

PreventionGenetics, part of Exact Sciences
Classification: Likely benign for MYH7B-related condition. Last evaluated: 2026-07-14. Review status: criteria provided, single submitter. Criteria: ACMG Guidelines, 2015. Collection method: clinical testing. Allele origin: germline.
Comment: This variant is classified as likely benign based on ACMG/AMP sequence variant interpretation guidelines (Richards et al. 2015 PMID: 25741868, with internal and published modifications).